The following is an entry in ClinVar:

ClinVar aggregate classification (germline): Pathogenic (1 of 4 stars; one submission).

Submission:

Labcorp Genetics (formerly Invitae), Labcorp
Classification: Pathogenic. Last evaluated: 2024-01-12. Review status: criteria provided, single submitter. Criteria: Invitae Variant Classification Sherloc (09022015). Collection method: clinical testing. Allele origin: germline.
Comment: This sequence change creates a premature translational stop signal (p.Leu1484Cysfs*17) in the ABCA1 gene. It is expected to result in an absent or disrupted protein product. Loss-of-function variants in ABCA1 are known to be pathogenic (PMID: 10525055, 10760292, 20880529). This variant is not present in population databases (gnomAD no frequency). This premature translational stop signal has been observed in individual(s) with clinical features of ABCA1-related condition (PMID: 29150341). For these reasons, this variant has been classified as Pathogenic.

Literature cited by the submitters: PubMed 10525055; PubMed 10760292; PubMed 20880529; PubMed 29150341.

NM_005502.4(ABCA1):c.4449del (p.Leu1484fs)

Gene: ABCA1 (ATP binding cassette subfamily A member 1; minus strand). Cytogenetic location: 9q31.1.
Variant type: Deletion.
Coding change: c.4449del on transcript NM_005502.4 (MANE Select); coding-DNA position 4449, one base deleted (G; older notation c.4449delG).
Protein change: p.Leu1484fs; shifts the reading frame from leucine 1484.
Molecular consequence: frameshift variant.
Genome position (GRCh38, 1-based): chr9:104,806,256, C deleted on the plus strand (G on the coding strand, the reverse complement: ABCA1 is on the minus strand); the first of 6 consecutive C bases (chr9:104,806,256-104,806,261); deleting any one gives the same sequence. VCF-style (leftmost placement, unchanged base first): chr9-104806255-GC-G. GRCh37 (hg19) VCF-style: chr9-107568536-GC-G.
Other names: short protein forms L1484fs.
Identifiers: ClinVar variation 2794859 (VCV002794859.3), dbSNP rs1830753335, ClinGen allele CA1869929601.